The following is an entry in ClinVar:

NM_000051.4(ATM):c.3682G>T (p.Glu1228Ter)

Gene: ATM (ATM serine/threonine kinase; plus strand). Cytogenetic location: 11q22.3.
Variant type: single nucleotide variant.
Coding change: c.3682G>T on transcript NM_000051.4 (MANE Select); coding-DNA position 3682, G replaced by T.
Protein change: p.Glu1228Ter; replaces glutamic acid 1228 with a stop codon.
Molecular consequence: nonsense.
Genome position (GRCh38, 1-based): chr11:108,282,815, G>T. VCF-style: chr11-108282815-G-T. GRCh37 (hg19) VCF-style: chr11-108153542-G-T.
Other names: c.3682G>T (NM_000051.3); c.3682G>T, p.Glu1228Ter (NM_001351834.2); short protein forms E1228*.
Identifiers: ClinVar variation 1448774 (VCV001448774.7), dbSNP rs1334793787, ClinGen allele CA382523352.

ClinVar aggregate classification (germline): Pathogenic/Likely pathogenic. Review status: criteria provided, multiple submitters, no conflicts (2 of 4 stars). 2 submissions from 2 submitters: Pathogenic (1); Likely pathogenic (1). Last evaluated 2024-04-11.

Conditions:
Familial cancer of breast. Also called: BREAST CANCER, FAMILIAL; Hereditary breast cancer; hereditary breast carcinoma. Identifiers: Orphanet 227535, MedGen C0346153, MONDO:0016419, OMIM 114480. Disease mechanism: loss of function.
Ataxia-telangiectasia syndrome (AT). Also called: Ataxia-telangiectasia; LOUIS-BAR SYNDROME; AT, COMPLEMENTATION GROUP C; Ataxia-telangiectasia, complementation group E; Ataxia telangiectasia (A-T); Cerebello-oculocutaneous telangiectasia. Identifiers: Orphanet 100, MedGen C0004135, MONDO:0008840, OMIM 208900.

Submissions (2):

Fulgent Genetics
Classification: Likely pathogenic for Familial cancer of breast; Ataxia-telangiectasia syndrome. Last evaluated: 2024-04-11. Review status: criteria provided, single submitter. Criteria: ACMG Guidelines, 2015. Collection method: clinical testing. Allele origin: germline.

Labcorp Genetics (formerly Invitae), Labcorp
Classification: Pathogenic for Ataxia-telangiectasia syndrome. Last evaluated: 2020-11-25. Review status: criteria provided, single submitter. Criteria: Invitae Variant Classification Sherloc (09022015). Collection method: clinical testing. Allele origin: germline.
Comment: This sequence change creates a premature translational stop signal (p.Glu1228*) in the ATM gene. It is expected to result in an absent or disrupted protein product. Loss-of-function variants in ATM are known to be pathogenic (PMID: 23807571, 25614872). This variant is not present in population databases (ExAC no frequency). This variant has not been reported in the literature in individuals with ATM-related conditions. For these reasons, this variant has been classified as Pathogenic.

Literature cited by the submitters: PubMed 23807571 (cited by Labcorp Genetics (formerly Invitae), Labcorp); PubMed 25614872 (cited by Labcorp Genetics (formerly Invitae), Labcorp).